The following is an entry in ClinVar:

ClinVar aggregate classification (germline): Uncertain significance (1 of 4 stars; one submission).

Conditions:
Cryopyrin associated periodic syndrome (CAPS). Identifiers: Orphanet 208650, MedGen C2316212, MONDO:0016168.

gnomAD v4.1: 2 of 1,614,110 alleles (0.00012%); highest among the groups gnomAD compares: Non-Finnish European, 0.00017%; no homozygotes.

Submission:

Labcorp Genetics (formerly Invitae), Labcorp
Classification: Uncertain significance for Cryopyrin associated periodic syndrome. Last evaluated: 2021-11-14. Review status: criteria provided, single submitter. Criteria: Invitae Variant Classification Sherloc (09022015). Collection method: clinical testing. Allele origin: germline.
Comment: This sequence change replaces threonine, which is neutral and polar, with asparagine, which is neutral and polar, at codon 858 of the NLRP3 protein (p.Thr858Asn). This variant is not present in population databases (gnomAD no frequency). This variant has not been reported in the literature in individuals affected with NLRP3-related conditions. Algorithms developed to predict the effect of missense changes on protein structure and function are either unavailable or do not agree on the potential impact of this missense change (SIFT: "Tolerated"; PolyPhen-2: "Possibly Damaging"; Align-GVGD: "Class C0"). In summary, the available evidence is currently insufficient to determine the role of this variant in disease. Therefore, it has been classified as a Variant of Uncertain Significance.

NM_001243133.2(NLRP3):c.2567C>A (p.Thr856Asn)

Gene: NLRP3 (NLR family pyrin domain containing 3; plus strand). Cytogenetic location: 1q44.
Variant type: single nucleotide variant.
Coding change: c.2567C>A on transcript NM_001243133.2 (MANE Select); coding-DNA position 2567, C replaced by A.
Protein change: p.Thr856Asn; replaces threonine 856 with asparagine.
Molecular consequence: missense variant. On other transcripts: intron variant (2).
Genome position (GRCh38, 1-based): chr1:247,436,044, C>A. VCF-style: chr1-247436044-C-A. GRCh37 (hg19) VCF-style: chr1-247599346-C-A.
Other names: c.2567C>A, p.Thr856Asn (NM_001079821.3); c.2396C>A, p.Thr799Asn (NM_001127462.3); c.2573C>A, p.Thr858Asn (NM_004895.5); c.2492+1771C>A (NM_001127461.3); c.2321+1771C>A (NM_183395.3); short protein forms T856N, T799N, T858N.
Identifiers: ClinVar variation 1351632 (VCV001351632.6), dbSNP rs2103173891, ClinGen allele CA345562248.